The following is an entry in ClinVar:

NM_000093.5(COL5A1):c.2497C>T (p.Pro833Ser)

Gene: COL5A1 (collagen type V alpha 1 chain; plus strand). Cytogenetic location: 9q34.3.
Variant type: single nucleotide variant.
Coding change: c.2497C>T on transcript NM_000093.5 (MANE Select); coding-DNA position 2497, C replaced by T.
Protein change: p.Pro833Ser; replaces proline 833 with serine.
Molecular consequence: missense variant.
Genome position (GRCh38, 1-based): chr9:134,785,001, C>T. VCF-style: chr9-134785001-C-T. GRCh37 (hg19) VCF-style: chr9-137676847-C-T.
Other names: c.2497C>T (NM_000093.3); c.2497C>T, p.Pro833Ser (NM_001278074.1); short protein forms P833S.
Identifiers: ClinVar variation 529258 (VCV000529258.25), dbSNP rs370547479, ClinGen allele CA5319438.

ClinVar aggregate classification (germline): Conflicting classifications of pathogenicity. Review status: criteria provided, conflicting classifications (1 of 4 stars). 6 submissions from 6 submitters: Uncertain significance (4); Benign (1); Likely benign (1). Last evaluated 2026-05-14.

Conditions:
Ehlers-Danlos syndrome, classic type, 1 (EDSCL1). Also called: Ehlers-Danlos Syndrome, Classic Type, COL5A1-Related; EDS I; Ehlers-Danlos syndrome, type 1; EHLERS-DANLOS SYNDROME, GRAVIS TYPE; EHLERS-DANLOS SYNDROME, SEVERE CLASSIC TYPE. Identifiers: MedGen C0268335, MONDO:0019567, OMIM 130000.
Familial thoracic aortic aneurysm and aortic dissection (TAAD). Also called: Thoracic aortic aneurysms and dissections. Identifiers: Orphanet 91387, MedGen C4707243, MONDO:0019625.

Allele frequency attached by ClinVar (database versions not stated): ESP Exome Variant Server 0.00008.

Submissions (6):

Women's Health and Genetics/Laboratory Corporation of America, LabCorp
Classification: Uncertain significance. Last evaluated: 2026-05-14. Review status: criteria provided, single submitter. Criteria: LabCorp Variant Classification Summary - May 2015. Collection method: clinical testing. Allele origin: germline.
Comment: Variant summary: COL5A1 c.2497C>T (p.Pro833Ser) results in a non-conservative amino acid change in the encoded protein sequence. Algorithms developed to predict the effect of missense changes on protein structure and function all suggest that this variant is likely to be disruptive. The variant allele was found at a frequency of 2.8e-05 in 249998 control chromosomes. The available data on variant occurrences in the general population are insufficient to allow any conclusion about variant significance. c.2497C>T has been observed in an individual in an Ehlers-Danlos syndrome cohort with hypermobility/benign joint hypermobility syndrome and in an individual with clinical symptoms suspicious of a monogenic Ehlers-Danlos syndrome subtype, but with no definitive diagnosis (example: Weerakkody_2016; Angwin_2020). These reports do not provide unequivocal conclusions about association of the variant with Ehlers-Danlos Syndrome, Classic Type, 1. To our knowledge, no experimental evidence demonstrating an impact on protein function has been reported. The following publication have been ascertained in the context of this evaluation (PMID: 27011056, 31141158). ClinVar contains an entry for this variant (Variation ID: 529258). Based on the evidence outlined above, the variant was classified as uncertain significance.

Ambry Genetics
Classification: Uncertain significance for Familial thoracic aortic aneurysm and aortic dissection. Last evaluated: 2025-08-05. Review status: criteria provided, single submitter. Criteria: Ambry Variant Classification Scheme 2023. Collection method: clinical testing. Allele origin: germline.
Comment: The p.P833S variant (also known as c.2497C>T), located in coding exon 30 of the COL5A1 gene, results from a C to T substitution at nucleotide position 2497. The proline at codon 833 is replaced by serine, an amino acid with similar properties. This variant was reported in an individual in an Ehlers-Danlos syndrome (EDS) cohort (Weerakkody RA et al. Genet Med, 2016 Nov;18:1119-1127). This amino acid position is well conserved in available vertebrate species. In addition, the in silico prediction for this alteration is inconclusive. Based on the available evidence, the clinical significance of this variant remains unclear.

Labcorp Genetics (formerly Invitae), Labcorp
Classification: Benign for Ehlers-Danlos syndrome, classic type, 1. Last evaluated: 2025-07-21. Review status: criteria provided, single submitter. Criteria: Invitae Variant Classification Sherloc (09022015). Collection method: clinical testing. Allele origin: germline.

CeGaT Center for Human Genetics Tuebingen
Classification: Likely benign. Last evaluated: 2025-04-01. Review status: criteria provided, single submitter. Criteria: CeGaT Center For Human Genetics Tuebingen Variant Classification Criteria Version 2. Collection method: clinical testing. Allele origin: germline. Affected: yes. Observed: 1 variant allele.
Comment: COL5A1: BS2

Victorian Clinical Genetics Services, Murdoch Childrens Research Institute
Classification: Uncertain significance for Ehlers-Danlos syndrome, classic type, 1. Last evaluated: 2022-06-24. Review status: criteria provided, single submitter. Criteria: ACMG Guidelines, 2015. Collection method: clinical testing. Allele origin: germline. Inheritance: Autosomal dominant inheritance. Affected: yes.
Comment: Based on the classification scheme VCGS_Germline_v1.3.4, this variant is classified as VUS-3B. Following criteria are met: 0102 - Loss of function is a known mechanism of disease in this gene and is associated with Ehlers-Danlos syndrome (EDS), classic type, 1 (MIM#130000) and multifocal fibromuscular dysplasia (MIM#619329). A dominant negative mechanism has also been postulated (PMID: 23587214). (I) 0107 - This gene is associated with autosomal dominant disease. (I) 0200 - Variant is predicted to result in a missense amino acid change from proline to serine. (I) 0251 - This variant is heterozygous. (I) 0302 - Variant is present in gnomAD (v2) <0.001 for a dominant condition (7 heterozygotes, 0 homozygotes). (SP) 0309 - Alternative amino acid changes at the same position has been observed in gnomAD (v2) (highest allele frequency: 1 heterozygote, 0 homozygotes). (I) 0502 - Missense variant with conflicting in silico predictions and uninformative conservation. (I) 0604 - Variant is not located in an established domain, motif, hotspot or informative constraint region. (I) 0705 - No comparable missense variants have previous evidence for pathogenicity. (I) 0809 - Previous evidence of pathogenicity for this variant is inconclusive. This variant is reported in the ClinVar database twice as a VUS. It has also been reported in the literature as a VUS in individuals with hypermobility and other features of Ehlers-Danlos syndrome (PMID: 27011056, 31141158). (I) 0905 - No published segregation evidence has been identified for this variant. (I) 1007 - No published functional evidence has been identified for this variant. (I) 1208 - Inheritance information for this variant is not currently available in this individual. (I) Legend: (SP) - Supporting pathogenic, (I) - Information, (SB) - Supporting benign

GeneDx
Classification: Uncertain significance. Last evaluated: 2019-09-16. Review status: criteria provided, single submitter. Criteria: GeneDx Variant Classification Process June 2021. Collection method: clinical testing. Allele origin: germline. Affected: yes.
Comment: Has not been previously published as pathogenic or benign to our knowledge; Reported in ClinVar as a variant of uncertain significance (ClinVar Variant ID# 529258; Landrum et al., 2016); In silico analysis, which includes protein predictors and evolutionary conservation, supports that this variant does not alter protein structure/function; Occurs in the triple helical domain at the X position in the canonical Gly-X-Y repeat; although this variant may have an effect on normal protein folding and function, missense substitution at the X position is not a common mechanism of disease (Symoens et al., 2012; Stenson et al., 2014)

Literature cited by the submitters: PubMed 27011056 (cited by 3 submitters); PubMed 31141158 (cited by Women's Health and Genetics/Laboratory Corporation of America, LabCorp and Victorian Clinical Genetics Services, Murdoch Childrens Research Institute); PubMed 23587214 (cited by Victorian Clinical Genetics Services, Murdoch Childrens Research Institute).